The following is an entry in ClinVar:

ClinVar aggregate classification (germline): Uncertain significance (1 of 4 stars; one submission).

Submission:

Ambry Genetics
Classification: Uncertain significance. Last evaluated: 2022-02-23. Review status: criteria provided, single submitter. Criteria: Ambry Variant Classification Scheme 2023. Collection method: clinical testing. Allele origin: germline.
Comment: The p.S1823F variant (also known as c.5468C>T), located in coding exon 41 of the PRKDC gene, results from a C to T substitution at nucleotide position 5468. The serine at codon 1823 is replaced by phenylalanine, an amino acid with highly dissimilar properties. This amino acid position is conserved. Since supporting evidence is limited at this time, the clinical significance of this alteration remains unclear.

NM_006904.7(PRKDC):c.5468C>T (p.Ser1823Phe)

Gene: PRKDC (protein kinase, DNA-activated, catalytic subunit; minus strand). Cytogenetic location: 8q11.21.
Variant type: single nucleotide variant.
Coding change: c.5468C>T on transcript NM_006904.7 (MANE Select); coding-DNA position 5468, C replaced by T.
Protein change: p.Ser1823Phe; replaces serine 1823 with phenylalanine.
Molecular consequence: missense variant.
Genome position (GRCh38, 1-based): chr8:47,864,659, G>A on the plus strand (C>T on the coding strand, the complement: PRKDC is on the minus strand). VCF-style: chr8-47864659-G-A. GRCh37 (hg19) VCF-style: chr8-48777220-G-A.
Other names: c.5468C>T, p.Ser1823Phe (NM_001081640.2); short protein forms S1823F.
Identifiers: ClinVar variation 1747700 (VCV001747700.2), dbSNP rs1286593101, ClinGen allele CA371163497.